The following is an entry in ClinVar:

NM_001197104.2(KMT2A):c.863G>A (p.Gly288Glu)

Gene: KMT2A (lysine methyltransferase 2A; plus strand). Cytogenetic location: 11q23.3.
Variant type: single nucleotide variant.
Coding change: c.863G>A on transcript NM_001197104.2 (MANE Select); coding-DNA position 863, G replaced by A.
Protein change: p.Gly288Glu; replaces glycine 288 with glutamic acid.
Molecular consequence: missense variant.
Genome position (GRCh38, 1-based): chr11:118,472,022, G>A. VCF-style: chr11-118472022-G-A. GRCh37 (hg19) VCF-style: chr11-118342737-G-A.
Other names: c.962G>A, p.Gly321Glu (NM_001412597.1); c.863G>A, p.Gly288Glu (NM_005933.4); short protein forms G321E, G288E.
Identifiers: ClinVar variation 3634298 (VCV003634298.2).

ClinVar aggregate classification (germline): Uncertain significance (1 of 4 stars; one submission).

Submission:

Labcorp Genetics (formerly Invitae), Labcorp
Classification: Uncertain significance. Last evaluated: 2024-02-24. Review status: criteria provided, single submitter. Criteria: Invitae Variant Classification Sherloc (09022015). Collection method: clinical testing. Allele origin: germline.
Comment: This sequence change replaces glycine, which is neutral and non-polar, with glutamic acid, which is acidic and polar, at codon 288 of the KMT2A protein (p.Gly288Glu). This variant is not present in population databases (gnomAD no frequency). This variant has not been reported in the literature in individuals affected with KMT2A-related conditions. Advanced modeling of protein sequence and biophysical properties (such as structural, functional, and spatial information, amino acid conservation, physicochemical variation, residue mobility, and thermodynamic stability) performed at Invitae indicates that this missense variant is not expected to disrupt KMT2A protein function with a negative predictive value of 95%. In summary, the available evidence is currently insufficient to determine the role of this variant in disease. Therefore, it has been classified as a Variant of Uncertain Significance.